The following is an entry in ClinVar:

NM_000334.4(SCN4A):c.3478A>G (p.Ile1160Val)

Genes: GH-LCR (growth hormone locus control region; plus strand), SCN4A (sodium voltage-gated channel alpha subunit 4; minus strand). Cytogenetic location: 17q23.3.
Variant type: single nucleotide variant.
Coding change: c.3478A>G on transcript NM_000334.4 (MANE Select); coding-DNA position 3478, A replaced by G.
Protein change: p.Ile1160Val; replaces isoleucine 1160 with valine.
Molecular consequence: missense variant.
Genome position (GRCh38, 1-based): chr17:63,945,602, T>C on the plus strand (A>G on the coding strand, the complement: SCN4A is on the minus strand). VCF-style: chr17-63945602-T-C. GRCh37 (hg19) VCF-style: chr17-62022962-T-C.
Other names: short protein forms I1160V.
Identifiers: ClinVar variation 5906 (VCV000005906.8), dbSNP rs121908549, ClinGen allele CA117843.
Genomic context (GRCh38, chr17:63,945,602, plus strand): 5'-TGACACCCATGATGCTGAAGATCAGCCAGAAGATGAGGCAGACAAGCAGCACATTCATGA[T>C]GGAGGGGATGGCGCCTAGGAGGGCGTTCACCACCACCTGGGGGCCAGGGGGTCCATTGCC-3'
Protein context (NP_000325.4, residues 1150-1170): VNALLGAIPS[Ile1160Val]MNVLLVCLIF

ClinVar aggregate classification (germline): Pathogenic. Review status: criteria provided, multiple submitters, no conflicts (2 of 4 stars). 4 submissions from 4 submitters: Pathogenic (3). 1 of the submissions does not count toward it. Last evaluated 2025-11-04.

Conditions:
Hyperkalemic periodic paralysis. Also called: Familial hyperkalemic periodic paralysis; Gamstorp disease. Identifiers: Orphanet 682, MedGen C0238357, MONDO:0008224, OMIM 170500, HP:0007215.
Potassium-aggravated myotonia. Also called: Myotonia congenita, atypical, acetazolamide-responsive; SODIUM CHANNEL MUSCLE DISEASE; MYOTONIA CONGENITA, ACETAZOLAMIDE-RESPONSIVE; MYOTONIA CONGENITA, ATYPICAL. Identifiers: Orphanet 612, Orphanet 99734, Orphanet 99735, Orphanet 99736, MedGen C2931826, MONDO:0018959, OMIM 608390.

Submissions (4):

Labcorp Genetics (formerly Invitae), Labcorp
Classification: Pathogenic for Hyperkalemic periodic paralysis. Last evaluated: 2025-11-04. Review status: criteria provided, single submitter. Criteria: Invitae Variant Classification Sherloc (09022015). Collection method: clinical testing. Allele origin: germline.
Comment: This sequence change replaces isoleucine, which is neutral and non-polar, with valine, which is neutral and non-polar, at codon 1160 of the SCN4A protein (p.Ile1160Val). This variant is not present in population databases (gnomAD no frequency). This missense change has been observed in individuals with clinical features of autosomal dominant myotonia congenita (PMID: 8058156, 22759684, 29606556; internal data). ClinVar contains an entry for this variant (Variation ID: 5906). Invitae Evidence Modeling of protein sequence and biophysical properties (such as structural, functional, and spatial information, amino acid conservation, physicochemical variation, residue mobility, and thermodynamic stability) indicates that this missense variant is expected to disrupt SCN4A protein function with a positive predictive value of 95%. Experimental studies have shown that this missense change affects SCN4A function (PMID: 9336185). For these reasons, this variant has been classified as Pathogenic.

GeneDx
Classification: Pathogenic. Last evaluated: 2017-05-10. Review status: criteria provided, single submitter. Criteria: GeneDx Variant Classification (06012015). Collection method: clinical testing. Allele origin: germline. Affected: yes.
Comment: The I1160V variant in the SCN4A gene has been reported previously in the heterozygous state in mutiple unrelatedindividuals with acetazolamide-responsive myotonia congenita or paramyotonia congenita(Jurkatt-Rott et al., 2004; Al-Ghamdi et al., 2017). Functional studies demonstrate that the I1160Vvariant has faster rates of closed-state fast inactivation onset and recovery as well as slowerdeactivation as compared to wild-type (Richmond et al., 1997). The I1160V variant is not observed inlarge population cohorts (Lek et al., 2016; 1000 Genomes Consortium et al., 2015; Exome VariantServer). The I1160V variant is a conservative amino acid substitution that occurs at a position that isconserved across species. We interpret I1160V as a pathogenic variant.

Athena Diagnostics
Classification: Pathogenic. Last evaluated: 2017-02-13. Review status: criteria provided, single submitter. Criteria: Athena Diagnostics Criteria. Collection method: clinical testing. Allele origin: germline.

OMIM
Classification: Pathogenic for MYOTONIA CONGENITA, ATYPICAL, ACETAZOLAMIDE-RESPONSIVE. Last evaluated: 1994-08-01. Review status: no assertion criteria provided. Collection method: literature only. Allele origin: germline. Not counted in ClinVar's aggregate classification.

Literature cited by the submitters: PubMed 8058156 (cited by 3 submitters); PubMed 22759684 (cited by Labcorp Genetics (formerly Invitae), Labcorp and Athena Diagnostics); PubMed 29606556 (cited by Labcorp Genetics (formerly Invitae), Labcorp); PubMed 9336185 (cited by Labcorp Genetics (formerly Invitae), Labcorp and Athena Diagnostics); PubMed 18337730 (cited by Athena Diagnostics); PubMed 15037716 (cited by Athena Diagnostics); PubMed 23884711 (cited by Athena Diagnostics); PubMed 3822145 (cited by Athena Diagnostics).